The following is an entry in ClinVar:

ClinVar aggregate classification (germline): Uncertain significance (1 of 4 stars; one submission).

Conditions:
BBS7-related disorder. Also called: BBS7-related condition.

gnomAD v4.1: 15 of 1,613,092 alleles (0.00093%); highest among the groups gnomAD compares: African/African-American, 0.0013%; no homozygotes.

Submission:

PreventionGenetics, part of Exact Sciences
Classification: Uncertain significance for BBS7-related condition. Last evaluated: 2025-10-08. Review status: criteria provided, single submitter. Criteria: ACMG Guidelines, 2015. Collection method: clinical testing. Allele origin: germline.
Comment: The BBS7 c.1075G>C variant is predicted to result in the amino acid substitution p.Glu359Gln. To our knowledge, this variant has not been reported in the literature or in a large population database (gnomAD), indicating this variant is rare. At this time, the clinical significance of this variant is uncertain due to the absence of conclusive functional and genetic evidence.

NM_176824.3(BBS7):c.1075G>C (p.Glu359Gln)

Gene: BBS7 (Bardet-Biedl syndrome 7; minus strand). Cytogenetic location: 4q27.
Variant type: single nucleotide variant.
Coding change: c.1075G>C on transcript NM_176824.3 (MANE Select); coding-DNA position 1075, G replaced by C.
Protein change: p.Glu359Gln; replaces glutamic acid 359 with glutamine.
Molecular consequence: missense variant.
Genome position (GRCh38, 1-based): chr4:121,845,659, C>G on the plus strand (G>C on the coding strand, the complement: BBS7 is on the minus strand). VCF-style: chr4-121845659-C-G. GRCh37 (hg19) VCF-style: chr4-122766814-C-G.
Other names: c.1075G>C, p.Glu359Gln (NM_018190.4); short protein forms E359Q.
Identifiers: ClinVar variation 4981741 (VCV004981741.1).
Genomic context (GRCh38, chr4:121,845,659, plus strand): 5'-AGGAAGGTACTGCTGATTTTGCTTTGCTTGATTGAGAAGACTGTTGATAATTCTCTCTTT[C>G]CTGCAATACCTTATACTGCAAATGTTCCAACTCATTCCTGGAGAAAAACACATACAAATT-3'
Protein context (NP_789794.1, residues 349-369): LEHLQYKVLQ[Glu359Gln]RENYQQSSQS